The following is an entry in ClinVar:

ClinVar aggregate classification (germline): Pathogenic (1 of 4 stars; one submission).

Conditions:
Neurofibromatosis, type 1 (NF1). Also called: Neurofibromatosis, type I; VON RECKLINGHAUSEN DISEASE; Peripheral type neurofibromatosis; NEUROFIBROMATOSIS, TYPE I, SOMATIC. Identifiers: Orphanet 636, MedGen C0027831, MONDO:0018975, OMIM 162200. Disease mechanism: loss of function.

Submission:

Labcorp Genetics (formerly Invitae), Labcorp
Classification: Pathogenic for Neurofibromatosis, type 1. Last evaluated: 2021-02-28. Review status: criteria provided, single submitter. Criteria: Invitae Variant Classification Sherloc (09022015). Collection method: clinical testing. Allele origin: germline.
Comment: This sequence change creates a premature translational stop signal (p.Leu1859Phefs*6) in the NF1 gene. It is expected to result in an absent or disrupted protein product. Loss-of-function variants in NF1 are known to be pathogenic (PMID: 10712197, 23913538). This variant is not present in population databases (ExAC no frequency). This variant has not been reported in the literature in individuals with NF1-related conditions. ClinVar contains an entry for this variant (Variation ID: 861337). For these reasons, this variant has been classified as Pathogenic.

Literature cited by the submitters: PubMed 10712197; PubMed 23913538.

NM_001042492.3(NF1):c.5639dup (p.Leu1880fs)

Gene: NF1 (neurofibromin 1; plus strand). Cytogenetic location: 17q11.2.
Variant type: Duplication.
Coding change: c.5639dup on transcript NM_001042492.3 (MANE Select); coding-DNA position 5639, one base duplicated (T; older notation c.5639dupT).
Protein change: p.Leu1880fs; shifts the reading frame from leucine 1880.
Molecular consequence: frameshift variant.
Genome position (GRCh38, 1-based): chr17:31,330,325, T duplicated; the last of 2 consecutive T bases (chr17:31,330,324-31,330,325); duplicating either gives the same sequence. VCF-style (leftmost placement, unchanged base first): chr17-31330323-C-CT. GRCh37 (hg19) VCF-style: chr17-29657341-C-CT.
Other names: c.5576dup, p.Leu1859Phefs (NM_000267.4); short protein forms L1859fs, L1880fs.
Identifiers: ClinVar variation 861337 (VCV000861337.6), dbSNP rs2069448879, ClinGen allele CA916080639.
Genomic context (GRCh38, chr17:31,330,323, plus strand): 5'-TTTTAAAACAACTTCATTTGTGTTTTCTCCTAGGTCAGCTGCCTATAATCTTCTGTGTGC[C>CT]TTAACTTGTACCTTTAATTTAAAAATCGAGGGCCAGTTACTAGAGACATCAGGTTTATGT-3'